The following is an entry in ClinVar:

NM_001035.3(RYR2):c.7489C>T (p.Arg2497Trp)

Gene: RYR2 (ryanodine receptor 2; plus strand). Cytogenetic location: 1q43.
Variant type: single nucleotide variant.
Coding change: c.7489C>T on transcript NM_001035.3 (MANE Select); coding-DNA position 7489, C replaced by T.
Protein change: p.Arg2497Trp; replaces arginine 2497 with tryptophan.
Molecular consequence: missense variant.
Genome position (GRCh38, 1-based): chr1:237,648,590, C>T. VCF-style: chr1-237648590-C-T. GRCh37 (hg19) VCF-style: chr1-237811890-C-T.
Other names: short protein forms R2497W.
Identifiers: ClinVar variation 920671 (VCV000920671.9), dbSNP rs1682407283, ClinGen allele CA345398682.

ClinVar aggregate classification (germline): Uncertain significance. Review status: criteria provided, multiple submitters, no conflicts (2 of 4 stars). 3 submissions from 3 submitters: Uncertain significance (3). Last evaluated 2024-09-23.

Conditions:
Catecholaminergic polymorphic ventricular tachycardia (CVPT). Also called: Catecholamine-induced polymorphic ventricular tachycardia. Identifiers: Orphanet 3286, MedGen C5574922, MONDO:0017990.
Cardiomyopathy (CMYO). Also called: Cardiomyopathies. Identifiers: Orphanet 167848, MedGen C0878544, MONDO:0004994, HP:0001638. Inheritance: Various modes of inheritance.
Catecholaminergic polymorphic ventricular tachycardia 1. Also called: VENTRICULAR TACHYCARDIA, CATECHOLAMINERGIC POLYMORPHIC, 1, WITH OR WITHOUT ATRIAL DYSFUNCTION AND/OR DILATED CARDIOMYOPATHY; RYR2-Related Catecholaminergic Polymorphic Ventricular Tachycardia; VENTRICULAR TACHYCARDIA, STRESS-INDUCED POLYMORPHIC 1. Identifiers: Orphanet 3286, MedGen C1631597, MONDO:0011484, OMIM 604772.

Allele frequency attached by ClinVar (database versions not stated): gnomAD exomes below 0.00001.
gnomAD v4.1: 4 of 1,609,822 alleles (0.00025%); highest among the groups gnomAD compares: Admixed American, 0.0017%; no homozygotes.

Submissions (3):

All of Us Research Program, National Institutes of Health
Classification: Uncertain significance for Catecholaminergic polymorphic ventricular tachycardia. Last evaluated: 2024-09-23. Review status: criteria provided, single submitter. Criteria: ACMG Guidelines, 2015. Collection method: clinical testing. Allele origin: germline. Inheritance: Autosomal dominant inheritance. Observed: 2 variant alleles, 2 heterozygotes.
Comment: This missense variant replaces arginine with tryptophan at codon 2497 of the RYR2 protein. Computational prediction tools and conservation analyses suggest that this variant may have deleterious impact on the protein function. Computational splicing tools suggest that this variant may not impact RNA splicing. To our knowledge, functional assays have not been performed for this variant nor has this variant been reported in individuals affected with cardiovascular disorders in the literature. This variant has not been identified in the general population by the Genome Aggregation Database (gnomAD). Available evidence is insufficient to determine the role of this variant in disease conclusively. Therefore, this variant is classified as a Variant of Uncertain Significance.

This study involves interpretation of variants in research participants for the purpose of population health screening. Participant phenotype was not available at the time of variant classification. Additional details can be found in publication PMID: 35346344, PMCID: PMC8962531

Labcorp Genetics (formerly Invitae), Labcorp
Classification: Uncertain significance for Catecholaminergic polymorphic ventricular tachycardia 1. Last evaluated: 2024-04-11. Review status: criteria provided, single submitter. Criteria: Invitae Variant Classification Sherloc (09022015). Collection method: clinical testing. Allele origin: germline.
Comment: This sequence change replaces arginine, which is basic and polar, with tryptophan, which is neutral and slightly polar, at codon 2497 of the RYR2 protein (p.Arg2497Trp). This variant is not present in population databases (gnomAD no frequency). This variant has not been reported in the literature in individuals affected with RYR2-related conditions. ClinVar contains an entry for this variant (Variation ID: 920671). Advanced modeling of protein sequence and biophysical properties (such as structural, functional, and spatial information, amino acid conservation, physicochemical variation, residue mobility, and thermodynamic stability) performed at Invitae indicates that this missense variant is expected to disrupt RYR2 protein function with a positive predictive value of 95%. In summary, the available evidence is currently insufficient to determine the role of this variant in disease. Therefore, it has been classified as a Variant of Uncertain Significance.

Color Diagnostics, LLC DBA Color Health
Classification: Uncertain significance for Cardiomyopathy. Last evaluated: 2024-03-06. Review status: criteria provided, single submitter. Criteria: ACMG Guidelines, 2015. Collection method: clinical testing. Allele origin: germline.
Comment: This missense variant replaces arginine with tryptophan at codon 2497 of the RYR2 protein. Computational prediction suggests that this variant may have deleterious impact on protein structure and function (internally defined REVEL score threshold >= 0.7, PMID: 27666373). To our knowledge, functional studies have not been reported for this variant. This variant has not been reported in individuals affected with RYR2-related disorders in the literature. This variant has not been identified in the general population by the Genome Aggregation Database (gnomAD). The available evidence is insufficient to determine the role of this variant in disease conclusively. Therefore, this variant is classified as a Variant of Uncertain Significance.